The following is an entry in ClinVar:

ClinVar aggregate classification (germline): Uncertain significance (1 of 4 stars; one submission).

Conditions:
Hereditary cancer-predisposing syndrome. Also called: Tumor predisposition; Neoplastic Syndromes, Hereditary; Hereditary neoplastic syndrome; Hereditary Cancer Syndrome. Identifiers: Orphanet 140162, MedGen C0027672, MeSH D009386, MONDO:0015356.

gnomAD v4.1: 3 of 1,613,806 alleles (0.00019%); highest among the groups gnomAD compares: Non-Finnish European, 0.00025%; no homozygotes.

Submission:

Ambry Genetics
Classification: Uncertain significance for Hereditary cancer-predisposing syndrome. Last evaluated: 2025-08-25. Review status: criteria provided, single submitter. Criteria: Ambry Variant Classification Scheme 2023. Collection method: clinical testing. Allele origin: germline.
Comment: The p.H280Q variant (also known as c.840T>G), located in coding exon 8 of the MITF gene, results from a T to G substitution at nucleotide position 840. The histidine at codon 280 is replaced by glutamine, an amino acid with highly similar properties. This amino acid position is conserved. In addition, this alteration is predicted to be tolerated by in silico analysis. Based on the available evidence, the clinical significance of this variant remains unclear.

NM_001354604.2(MITF):c.1161T>G (p.His387Gln)

Gene: MITF (melanocyte inducing transcription factor; plus strand). Cytogenetic location: 3p13.
Variant type: single nucleotide variant.
Coding change: c.1161T>G on transcript NM_001354604.2 (MANE Select); coding-DNA position 1161, T replaced by G.
Protein change: p.His387Gln; replaces histidine 387 with glutamine.
Molecular consequence: missense variant.
Genome position (GRCh38, 1-based): chr3:69,959,402, T>G. VCF-style: chr3-69959402-T-G. GRCh37 (hg19) VCF-style: chr3-70008553-T-G.
Other names: c.840T>G, p.His280Gln (NM_000248.4); c.987T>G, p.His329Gln (NM_001184967.2, NM_001354608.2); c.1158T>G, p.His386Gln (NM_001354605.2); c.1140T>G, p.His380Gln (NM_001354606.2, NM_006722.3); c.1092T>G, p.His364Gln (NM_001354607.2); c.822T>G, p.His274Gln (NM_198158.3); c.1143T>G, p.His381Gln (NM_198159.3); c.1095T>G, p.His365Gln (NM_198177.3); and 1 more; short protein forms H218Q, H274Q, H381Q, H280Q, H380Q, H387Q, H329Q, H364Q.
Identifiers: ClinVar variation 4108310 (VCV004108310.1).